The following is an entry in ClinVar:

ClinVar aggregate classification (germline): Uncertain significance. Review status: criteria provided, multiple submitters, no conflicts (2 of 4 stars). 2 submissions from 2 submitters: Uncertain significance (2). Last evaluated 2025-04-21.

Conditions:
Hereditary cancer-predisposing syndrome. Also called: Neoplastic Syndromes, Hereditary; Hereditary neoplastic syndrome; Hereditary Cancer Syndrome; Tumor predisposition. Identifiers: Orphanet 140162, MedGen C0027672, MeSH D009386, MONDO:0015356.
POLD1-related polyposis and colorectal cancer syndrome (CRCS10). Also called: Colorectal cancer, susceptibility to, 10; Colorectal cancer 10; COLORECTAL CANCER, SUSCEPTIBILITY TO, ON CHROMOSOME 19q. Identifiers: Orphanet 220460, MedGen C2675481, MONDO:0012953, OMIM 612591.

Allele frequency attached by ClinVar (database versions not stated): TOPMed below 0.00001; gnomAD 0.00001; gnomAD exomes 0.00001; ExAC 0.00003; 1000 Genomes Project 30x 0.00016; 1000 Genomes Project 0.00020.
gnomAD v4.1: 3 of 1,612,316 alleles (0.00019%); highest among the groups gnomAD compares: East Asian, 0.0045%; no homozygotes.

Submissions (2):

Labcorp Genetics (formerly Invitae), Labcorp
Classification: Uncertain significance for POLD1-related polyposis and colorectal cancer syndrome. Last evaluated: 2025-04-21. Review status: criteria provided, single submitter. Criteria: Invitae Variant Classification Sherloc (09022015). Collection method: clinical testing. Allele origin: germline.
Comment: This sequence change replaces aspartic acid, which is acidic and polar, with glutamic acid, which is acidic and polar, at codon 780 of the POLD1 protein (p.Asp780Glu). This variant is present in population databases (rs572055425, gnomAD 0.03%). This variant has not been reported in the literature in individuals affected with POLD1-related conditions. ClinVar contains an entry for this variant (Variation ID: 408115). Invitae Evidence Modeling of protein sequence and biophysical properties (such as structural, functional, and spatial information, amino acid conservation, physicochemical variation, residue mobility, and thermodynamic stability) indicates that this missense variant is not expected to disrupt POLD1 protein function with a negative predictive value of 80%. In summary, the available evidence is currently insufficient to determine the role of this variant in disease. Therefore, it has been classified as a Variant of Uncertain Significance.

Ambry Genetics
Classification: Uncertain significance for Hereditary cancer-predisposing syndrome. Last evaluated: 2024-05-26. Review status: criteria provided, single submitter. Criteria: Ambry Variant Classification Scheme 2023. Collection method: clinical testing. Allele origin: germline.
Comment: The p.D780E variant (also known as c.2340C>G), located in coding exon 18 of the POLD1 gene, results from a C to G substitution at nucleotide position 2340. The aspartic acid at codon 780 is replaced by glutamic acid, an amino acid with highly similar properties. This amino acid position is conserved. In addition, this alteration is predicted to be tolerated by in silico analysis. Since supporting evidence is limited at this time, the clinical significance of this alteration remains unclear.

NM_002691.4(POLD1):c.2340C>G (p.Asp780Glu)

Gene: POLD1 (DNA polymerase delta 1, catalytic subunit; plus strand). Cytogenetic location: 19q13.33.
Variant type: single nucleotide variant.
Coding change: c.2340C>G on transcript NM_002691.4 (MANE Select); coding-DNA position 2340, C replaced by G.
Protein change: p.Asp780Glu; replaces aspartic acid 780 with glutamic acid.
Molecular consequence: missense variant. On other transcripts: non-coding transcript variant (1).
Genome position (GRCh38, 1-based): chr19:50,413,831, C>G. VCF-style: chr19-50413831-C-G. GRCh37 (hg19) VCF-style: chr19-50917088-C-G.
Other names: c.2340C>G, p.Asp780Glu (NM_001256849.1); c.2418C>G, p.Asp806Glu (NM_001308632.1); short protein forms D780E, D806E.
Identifiers: ClinVar variation 408115 (VCV000408115.12), dbSNP rs572055425, ClinGen allele CA9596489.